The following is an entry in ClinVar:

ClinVar aggregate classification (germline): Uncertain significance (1 of 4 stars; one submission).

Submission:

CeGaT Center for Human Genetics Tuebingen
Classification: Uncertain significance. Last evaluated: 2022-07-01. Review status: criteria provided, single submitter. Criteria: CeGaT Center For Human Genetics Tuebingen Variant Classification Criteria Version 2. Collection method: clinical testing. Allele origin: germline. Affected: yes. Observed: 2 variant alleles.
Comment: CDON: PM2, BP4

NM_001378964.1(CDON):c.2083A>G (p.Lys695Glu)

Gene: CDON (cell adhesion associated, oncogene regulated; minus strand). Cytogenetic location: 11q24.2.
Variant type: single nucleotide variant.
Coding change: c.2083A>G on transcript NM_001378964.1 (MANE Select); coding-DNA position 2083, A replaced by G.
Protein change: p.Lys695Glu; replaces lysine 695 with glutamic acid.
Molecular consequence: missense variant.
Genome position (GRCh38, 1-based): chr11:126,001,794, T>C on the plus strand (A>G on the coding strand, the complement: CDON is on the minus strand). VCF-style: chr11-126001794-T-C. GRCh37 (hg19) VCF-style: chr11-125871689-T-C.
Other names: c.2083A>G, p.Lys695Glu (NM_001243597.3, NM_016952.6); short protein forms K695E.
Identifiers: ClinVar variation 1176927 (VCV001176927.35), dbSNP rs2134572040, ClinGen allele CA383207180.
Genomic context (GRCh38, chr11:126,001,794, plus strand): 5'-AGGAATCTGTAAGTACCACTCCAAAATTGTTGTTTGCAGCCTCTGAAACAACGGGATACT[T>C]AGGGATGCCCACGGGTGGAGAGGATGCCTGGGTGTTTTTTGATGACGCTGTTTTTTCTAG-3'
Protein context (NP_001365893.1, residues 685-705): QASSPPVGIP[Lys695Glu]YPVVSEAANN